The following is an entry in ClinVar:

NM_133510.4(RAD51B):c.961C>G (p.Leu321Val)

Gene: RAD51B (RAD51 paralog B; plus strand). Cytogenetic location: 14q24.1.
Variant type: single nucleotide variant.
Coding change: c.961C>G on transcript NM_133510.4 (MANE Select); coding-DNA position 961, C replaced by G.
Protein change: p.Leu321Val; replaces leucine 321 with valine.
Molecular consequence: missense variant.
Genome position (GRCh38, 1-based): chr14:68,468,175, C>G. VCF-style: chr14-68468175-C-G. GRCh37 (hg19) VCF-style: chr14-68934892-C-G.
Other names: c.961C>G, p.Leu321Val (NM_001321809.2, NM_001321810.2, NM_001321812.1 and 6 more transcripts); c.847C>G, p.Leu283Val (NM_001321815.1); c.604C>G, p.Leu202Val (NM_001321817.2); short protein forms L202V, L283V, L321V.
Identifiers: ClinVar variation 5027766 (VCV005027766.1).

ClinVar aggregate classification (germline): Uncertain significance (1 of 4 stars; one submission).

Submission:

Ambry Genetics
Classification: Uncertain significance. Last evaluated: 2026-06-26. Review status: criteria provided, single submitter. Criteria: Ambry Variant Classification Scheme 2023. Collection method: clinical testing. Allele origin: germline.
Comment: The p.L321V variant (also known as c.961C>G), located in coding exon 9 of the RAD51B gene, results from a C to G substitution at nucleotide position 961. The leucine at codon 321 is replaced by valine, an amino acid with highly similar properties. This amino acid position is conserved. In addition, this alteration is predicted to be tolerated by in silico analysis. Based on the available evidence, the clinical significance of this variant remains unclear.